The following is an entry in ClinVar:

NM_015450.3(POT1):c.932C>G (p.Pro311Arg)

Gene: POT1 (protection of telomeres 1; minus strand). Cytogenetic location: 7q31.33.
Variant type: single nucleotide variant.
Coding change: c.932C>G on transcript NM_015450.3 (MANE Select); coding-DNA position 932, C replaced by G.
Protein change: p.Pro311Arg; replaces proline 311 with arginine.
Molecular consequence: missense variant. On other transcripts: non-coding transcript variant (3).
Genome position (GRCh38, 1-based): chr7:124,851,889, G>C on the plus strand (C>G on the coding strand, the complement: POT1 is on the minus strand). VCF-style: chr7-124851889-G-C. GRCh37 (hg19) VCF-style: chr7-124491943-G-C.
Other names: c.539C>G, p.Pro180Arg (NM_001042594.2); short protein forms P180R, P311R.
Identifiers: ClinVar variation 1039173 (VCV001039173.9), dbSNP rs1795315950, ClinGen allele CA369054309.
Genomic context (GRCh38, chr7:124,851,889, plus strand): 5'-ATTTAGCAAGAACTAAACTGTCAATGTTAAAGATTATCCTTACTTGGAAAGCTGTCGTCA[G>C]GTTCTGATTGACAGATAACATCTGAATGCTGATTGGCTGTCAAATTTGCAGATTCTAAAT-3'
Protein context (NP_056265.2, residues 301-321): QHSDVICQSE[Pro311Arg]DDSFPSSGSV

ClinVar aggregate classification (germline): Uncertain significance (1 of 4 stars; one submission).

Conditions:
Tumor predisposition syndrome 3 (TPDS3). Also called: Melanoma, cutaneous malignant, susceptibility to, 10; Glioma susceptibility 9; LONG TELOMERE SYNDROME, POT1-RELATED; POT1 Tumor Predisposition. Identifiers: Orphanet 618, MedGen C4014476, MONDO:0014368, OMIM 615848.

Submission:

Labcorp Genetics (formerly Invitae), Labcorp
Classification: Uncertain significance for Tumor predisposition syndrome 3. Last evaluated: 2024-05-23. Review status: criteria provided, single submitter. Criteria: Invitae Variant Classification Sherloc (09022015). Collection method: clinical testing. Allele origin: germline.
Comment: This sequence change replaces proline, which is neutral and non-polar, with arginine, which is basic and polar, at codon 311 of the POT1 protein (p.Pro311Arg). This variant is not present in population databases (gnomAD no frequency). This variant has not been reported in the literature in individuals affected with POT1-related conditions. ClinVar contains an entry for this variant (Variation ID: 1039173). Advanced modeling of protein sequence and biophysical properties (such as structural, functional, and spatial information, amino acid conservation, physicochemical variation, residue mobility, and thermodynamic stability) performed at Invitae indicates that this missense variant is not expected to disrupt POT1 protein function with a negative predictive value of 80%. RNA analysis performed to evaluate the impact of this missense change on mRNA splicing indicates it does not significantly alter splicing (Invitae). In summary, the available evidence is currently insufficient to determine the role of this variant in disease. Therefore, it has been classified as a Variant of Uncertain Significance.